The following is an entry in ClinVar:

NM_001128840.3(CACNA1D):c.6348C>A (p.Asn2116Lys)

Gene: CACNA1D (calcium voltage-gated channel subunit alpha1 D; plus strand). Cytogenetic location: 3p21.1.
Variant type: single nucleotide variant.
Coding change: c.6348C>A on transcript NM_001128840.3 (MANE Select); coding-DNA position 6348, C replaced by A.
Protein change: p.Asn2116Lys; replaces asparagine 2116 with lysine.
Molecular consequence: missense variant.
Genome position (GRCh38, 1-based): chr3:53,811,268, C>A. VCF-style: chr3-53811268-C-A. GRCh37 (hg19) VCF-style: chr3-53845295-C-A.
Other names: c.6408C>A, p.Asn2136Lys (NM_000720.4); c.6276C>A, p.Asn2092Lys (NM_001128839.3); short protein forms N2116K, N2136K, N2092K.
Identifiers: ClinVar variation 2012089 (VCV002012089.4), dbSNP rs10154841, ClinGen allele CA353259294.

ClinVar aggregate classification (germline): Uncertain significance (1 of 4 stars; one submission).

Submission:

Labcorp Genetics (formerly Invitae), Labcorp
Classification: Uncertain significance. Last evaluated: 2022-06-29. Review status: criteria provided, single submitter. Criteria: Invitae Variant Classification Sherloc (09022015). Collection method: clinical testing. Allele origin: germline.
Comment: In summary, the available evidence is currently insufficient to determine the role of this variant in disease. Therefore, it has been classified as a Variant of Uncertain Significance. Algorithms developed to predict the effect of missense changes on protein structure and function are either unavailable or do not agree on the potential impact of this missense change (SIFT: "Deleterious"; PolyPhen-2: "Benign"; Align-GVGD: "Class C0"). This variant has not been reported in the literature in individuals affected with CACNA1D-related conditions. This variant is not present in population databases (gnomAD no frequency). This sequence change replaces asparagine, which is neutral and polar, with lysine, which is basic and polar, at codon 2136 of the CACNA1D protein (p.Asn2136Lys).